The following is an entry in ClinVar:

ClinVar aggregate classification (germline): Uncertain significance (1 of 4 stars; one submission).

Submission:

GeneDx
Classification: Uncertain significance. Last evaluated: 2025-07-30. Review status: criteria provided, single submitter. Criteria: GeneDx Variant Classification Process June 2021. Collection method: clinical testing. Allele origin: germline. Affected: yes.
Comment: Not observed at significant frequency in large population cohorts (gnomAD); In silico analysis supports that this missense variant has a deleterious effect on protein structure/function; Has not been previously published as pathogenic or benign to our knowledge

NM_003074.4(SMARCC1):c.2210A>C (p.His737Pro)

Gene: SMARCC1 (SWI/SNF related BAF chromatin remodeling complex subunit C1; minus strand). Cytogenetic location: 3p21.31.
Variant type: single nucleotide variant.
Coding change: c.2210A>C on transcript NM_003074.4 (MANE Select); coding-DNA position 2210, A replaced by C.
Protein change: p.His737Pro; replaces histidine 737 with proline.
Molecular consequence: missense variant.
Genome position (GRCh38, 1-based): chr3:47,661,404, T>G on the plus strand (A>C on the coding strand, the complement: SMARCC1 is on the minus strand). VCF-style: chr3-47661404-T-G. GRCh37 (hg19) VCF-style: chr3-47702894-T-G.
Other names: short protein forms H737P.
Identifiers: ClinVar variation 4690016 (VCV004690016.1).